The following is an entry in ClinVar:

ClinVar aggregate classification (germline): Conflicting classifications of pathogenicity. Review status: criteria provided, conflicting classifications (1 of 4 stars). 3 submissions from 3 submitters: Likely pathogenic (1); Uncertain significance (2). Last evaluated 2025-09-21.

Conditions:
Familial cold autoinflammatory syndrome 2 (FCAS2). Identifiers: Orphanet 247868, MedGen C2673198, MONDO:0012724, OMIM 611762.
Autoinflammatory syndrome. Identifiers: Orphanet 93665, MedGen C3890737, MONDO:0019751.

Allele frequency attached by ClinVar (database versions not stated): gnomAD 0.00001; ExAC 0.00002; ESP Exome Variant Server 0.00008.
gnomAD v4.1: 56 of 1,613,756 alleles (0.0035%); highest among the groups gnomAD compares: Non-Finnish European, 0.0046%; no homozygotes.

Submissions (3):

Labcorp Genetics (formerly Invitae), Labcorp
Classification: Uncertain significance for Familial cold autoinflammatory syndrome 2. Last evaluated: 2025-09-21. Review status: criteria provided, single submitter. Criteria: Invitae Variant Classification Sherloc (09022015). Collection method: clinical testing. Allele origin: germline.
Comment: This sequence change affects an acceptor splice site in intron 7 of the NLRP12 gene. It is expected to disrupt RNA splicing. Variants that disrupt the donor or acceptor splice site typically lead to a loss of protein function (PMID: 16199547), however the current clinical and genetic evidence is not sufficient to establish whether loss-of-function variants in NLRP12 cause disease. This variant is present in population databases (rs143515989, gnomAD 0.003%). This variant has not been reported in the literature in individuals affected with NLRP12-related conditions. ClinVar contains an entry for this variant (Variation ID: 1401846). Algorithms developed to predict the effect of sequence changes on RNA splicing suggest that this variant may disrupt the consensus splice site. In summary, the available evidence is currently insufficient to determine the role of this variant in disease. Therefore, it has been classified as a Variant of Uncertain Significance.

CeGaT Center for Human Genetics Tuebingen
Classification: Uncertain significance. Last evaluated: 2024-07-01. Review status: criteria provided, single submitter. Criteria: CeGaT Center For Human Genetics Tuebingen Variant Classification Criteria Version 2. Collection method: clinical testing. Allele origin: germline. Affected: yes. Observed: 1 variant allele.

Genome Diagnostics Laboratory, The Hospital for Sick Children
Classification: Likely pathogenic for Autoinflammatory syndrome. Last evaluated: 2017-12-01. Review status: criteria provided, single submitter. Criteria: ACMG Guidelines, 2015. Collection method: clinical testing. Allele origin: germline. Affected: yes.

Literature cited by the submitters: PubMed 16199547 (cited by Labcorp Genetics (formerly Invitae), Labcorp).

NM_144687.4(NLRP12):c.2757-1G>T

Gene: NLRP12 (NLR family pyrin domain containing 12; minus strand). Cytogenetic location: 19q13.42.
Variant type: single nucleotide variant.
Coding change: c.2757-1G>T on transcript NM_144687.4 (MANE Select); the canonical splice acceptor site of the intron before coding-DNA position 2757, G replaced by T.
Molecular consequence: splice acceptor variant. On other transcripts: intron variant (1).
Genome position (GRCh38, 1-based): chr19:53,798,414, C>A on the plus strand (G>T on the coding strand, the complement: NLRP12 is on the minus strand). VCF-style: chr19-53798414-C-A. GRCh37 (hg19) VCF-style: chr19-54301668-C-A.
Other names: c.2757-2385G>T (NM_001277129.1); c.2760-1G>T (NM_001277126.2).
Identifiers: ClinVar variation 1401846 (VCV001401846.33), dbSNP rs143515989, ClinGen allele CA9638910.